The following is an entry in ClinVar:

ClinVar aggregate classification (germline): Pathogenic (1 of 4 stars; one submission).

Conditions:
Congenital factor VII deficiency. Identifiers: Orphanet 327, MedGen C0272320, MONDO:0009211, OMIM 227500.

Allele frequency attached by ClinVar (database versions not stated): TOPMed below 0.00001.
gnomAD v4.1: 4 of 1,558,366 alleles (0.00026%); highest among the groups gnomAD compares: Non-Finnish European, 0.00026%; no homozygotes.

Submission:

Institute of Clinical Chemistry and Institute of Clinical Molecular Biology, University Hospital Schleswig-Holstein, Campus Kiel
Classification: Pathogenic for Congenital factor VII deficiency. Last evaluated: 2024-08-19. Review status: criteria provided, single submitter. Criteria: ACMG Guidelines, 2015. Collection method: clinical testing. Allele origin: germline. Affected: yes. Observed: 1 variant allele.
Comment: Applied ACMG criteria: PVS1, PM2, PP3.

NM_019616.4(F7):c.225+1G>A

Gene: F7 (coagulation factor VII; plus strand). Cytogenetic location: 13q34.
Variant type: single nucleotide variant.
Coding change: c.225+1G>A on transcript NM_019616.4 (MANE Select); the canonical splice donor site of the intron after coding-DNA position 225, G replaced by A.
Molecular consequence: splice donor variant. On other transcripts: intron variant (1).
Genome position (GRCh38, 1-based): chr13:113,110,851, G>A. VCF-style: chr13-113110851-G-A. GRCh37 (hg19) VCF-style: chr13-113765165-G-A.
Other names: c.291+1G>A (NM_000131.5); c.65-2996G>A (NM_001267554.2).
Identifiers: ClinVar variation 3765536 (VCV003765536.2), dbSNP rs1566906827.